The following is an entry in ClinVar:

NM_000256.3(MYBPC3):c.2715C>G (p.Ser905Arg)

Gene: MYBPC3 (myosin binding protein C3; minus strand). Cytogenetic location: 11p11.2.
Variant type: single nucleotide variant.
Coding change: c.2715C>G on transcript NM_000256.3 (MANE Select); coding-DNA position 2715, C replaced by G.
Protein change: p.Ser905Arg; replaces serine 905 with arginine.
Molecular consequence: missense variant.
Genome position (GRCh38, 1-based): chr11:47,335,899, G>C on the plus strand (C>G on the coding strand, the complement: MYBPC3 is on the minus strand). VCF-style: chr11-47335899-G-C. GRCh37 (hg19) VCF-style: chr11-47357450-G-C.
Other names: c.2715C>G, p.Ser905Arg (LRG_386t1); short protein forms S905R.
Identifiers: ClinVar variation 450492 (VCV000450492.2), dbSNP rs759920601, ClinGen allele CA380317123.
Genomic context (GRCh38, chr11:47,335,899, plus strand): 5'-TTCCTTTGGGGAGGGGGGTTGGGGGCGGGGACACTCACAGCCCTCTGGGCAGTACTCCAC[G>C]CTGTAGCCATCCAGGCCTCCTGCTCCCACGCGCTCTGGGGGCCGCCACTTGAGGGAGACC-3'
Protein context (NP_000247.2, residues 895-915): RVGAGGLDGY[Ser905Arg]VEYCPEGCSE

ClinVar aggregate classification (germline): Uncertain significance (1 of 4 stars; one submission).

Submission:

GeneDx
Classification: Uncertain significance. Last evaluated: 2017-07-13. Review status: criteria provided, single submitter. Criteria: GeneDx Variant Classification (06012015). Collection method: clinical testing. Allele origin: germline. Affected: yes.
Comment: A variant of uncertain significance has been identified in the MYBPC3 gene. The S905R variant has not beenpublished as pathogenic or been reported as benign to our knowledge. This variant is not observed in largepopulation cohorts (Lek et al., 2016; 1000 Genomes Consortium et al., 2015; Exome Variant Server). The S905Rvariant is a semi-conservative amino acid substitution, which may impact secondary protein structure as theseresidues differ in some properties. However, this substitution occurs at a position that is not conserved across species,and in silico analysis suggests that this variant likely does not alter the protein structure/function.